The following is an entry in ClinVar:

ClinVar aggregate classification (germline): Uncertain significance (1 of 4 stars; one submission).

Conditions:
Aortic aneurysm, familial thoracic 8 (AAT8). Identifiers: MedGen C3809513, MONDO:0014187, OMIM 615436.

Submission:

Labcorp Genetics (formerly Invitae), Labcorp
Classification: Uncertain significance for Aortic aneurysm, familial thoracic 8. Last evaluated: 2022-10-25. Review status: criteria provided, single submitter. Criteria: Invitae Variant Classification Sherloc (09022015). Collection method: clinical testing. Allele origin: germline.
Comment: In summary, the available evidence is currently insufficient to determine the role of this variant in disease. Therefore, it has been classified as a Variant of Uncertain Significance. Experimental studies and prediction algorithms are not available or were not evaluated, and the functional significance of this variant is currently unknown. This variant has not been reported in the literature in individuals affected with PRKG1-related conditions. This variant results in a copy number gain of the genomic region encompassing exon(s) 3-5 of the PRKG1 gene. While the exact position of this variant cannot be determined from the data, sub-genic copy number gains are generally in tandem (PMID: 25640679). This variant is predicted to be out-of-frame, and may result in an absent or disrupted protein product. However, the current clinical and genetic evidence is not sufficient to establish whether loss-of-function variants in PRKG1 cause disease.

Literature cited by the submitters: PubMed 25640679.

NC_000010.10:g.(?_53227463)_(53769653_?)dup

Genes: CSTF2T (cleavage stimulation factor subunit 2 tau variant; minus strand), PRKG1 (protein kinase cGMP-dependent 1; plus strand). Cytogenetic location: 10q21.1.
Variant type: Duplication.
Identifiers: ClinVar variation 2425547 (VCV002425547.4).